The following is an entry in ClinVar:

ClinVar aggregate classification (germline): Uncertain significance (1 of 4 stars; one submission).

gnomAD v4.1: 2 of 1,614,158 alleles (0.00012%); highest among the groups gnomAD compares: African/African-American, 0.0013%; no homozygotes.

Submission:

Ambry Genetics
Classification: Uncertain significance. Last evaluated: 2024-11-28. Review status: criteria provided, single submitter. Criteria: Ambry Variant Classification Scheme 2023. Collection method: clinical testing. Allele origin: germline.
Comment: The p.P511L variant (also known as c.1532C>T), located in coding exon 1 of the MLH3 gene, results from a C to T substitution at nucleotide position 1532. The proline at codon 511 is replaced by leucine, an amino acid with similar properties. This amino acid position is conserved. In addition, this alteration is predicted to be tolerated by in silico analysis. Based on the available evidence, the clinical significance of this variant remains unclear.

NM_001040108.2(MLH3):c.1532C>T (p.Pro511Leu)

Gene: MLH3 (mutL homolog 3; minus strand). Cytogenetic location: 14q24.3.
Variant type: single nucleotide variant.
Coding change: c.1532C>T on transcript NM_001040108.2 (MANE Select); coding-DNA position 1532, C replaced by T.
Protein change: p.Pro511Leu; replaces proline 511 with leucine.
Molecular consequence: missense variant.
Genome position (GRCh38, 1-based): chr14:75,048,124, G>A on the plus strand (C>T on the coding strand, the complement: MLH3 is on the minus strand). VCF-style: chr14-75048124-G-A. GRCh37 (hg19) VCF-style: chr14-75514827-G-A.
Other names: c.1532C>T, p.Pro511Leu (NM_014381.3); short protein forms P511L.
Identifiers: ClinVar variation 3396615 (VCV003396615.1).